The following continues an entry in ClinVar:

NM_000402.4(G6PD):c.292G>A (p.Val98Met)

Gene: G6PD. ClinVar aggregate classification (germline): Pathogenic/Likely pathogenic. Pathogenic (31); Likely pathogenic (6).

Submissions 11 to 22 of 48:

Genomic Medicine Center of Excellence, King Faisal Specialist Hospital and Research Centre
Classification: Likely pathogenic for Anemia, nonspherocytic hemolytic, due to G6PD deficiency. Last evaluated: 2024-04-04. Review status: criteria provided, single submitter. Criteria: ACMG Guidelines, 2015. Collection method: clinical testing. Allele origin: germline.

Baylor Genetics
Classification: Pathogenic for Malaria, susceptibility to. Last evaluated: 2024-03-30. Review status: criteria provided, single submitter. Criteria: ACMG Guidelines, 2015. Collection method: clinical testing. Allele origin: unknown.

Baylor Genetics
Classification: Pathogenic for Anemia, nonspherocytic hemolytic, due to G6PD deficiency. Last evaluated: 2024-03-06. Review status: criteria provided, single submitter. Criteria: ACMG Guidelines, 2015. Collection method: clinical testing. Allele origin: unknown. Study: CSER-TexasKidsCanSeq.

Department of Pediatrics, Duzce University
Classification: Likely pathogenic for Anemia, nonspherocytic hemolytic, due to G6PD deficiency. Last evaluated: 2024-02-12. Review status: criteria provided, single submitter. Criteria: ACMG Guidelines, 2015. Collection method: research. Allele origin: germline. Inheritance: X-linked inheritance. Affected: yes.
Comment: This variant (p.Val68Met) is a component of the common G6PD A- deficiency allele; functional and clinical data support reduced enzyme activity (PS3_supporting) and disease association (PS4_supporting). Frequency consistent with an X-linked deficiency allele (PM2_supporting); supportive in silico predictions (PP3). Applied ACMG/AMP criteria: PS3_supporting, PS4_supporting, PM2_supporting, PP3. Classification: Likely pathogenic.

Laboratory for Molecular Medicine, Mass General Brigham Personalized Medicine
Classification: Pathogenic for Anemia, nonspherocytic hemolytic, due to G6PD deficiency. Last evaluated: 2023-12-26. Review status: criteria provided, single submitter. Criteria: ACMG Guidelines, 2015. Collection method: clinical testing. Allele origin: germline.
Comment: The p.Val98Met variant in G6PD (frequently reported as p.Val68Met on transcript NM_001042351.1) is a well-established pathogenic variant for glucose-6-phosphate dehydrogenase deficiency (G6PD) and has been shown to alter G6PD enzyme activity (Pal 2017 PMID: 28512736, Hirono 2002 PMID: 11852882, Hirono 1988 PMID: 2836867, Shah 2014 PMID: 25201310, Odièvre 2011 PMID: 21479984). This variant has also been reported by other clinical laboratories in ClinVar (Variation ID 37123) and has been identified in 11.6% (3560/30745) of African chromosomes, including 155 female homozygotes and 995 male hemizygotes, by gnomAD (v.3.1.2). The variant's high frequency is consistent with the prevalence of G6PD deficiency in African populations and is thought to be a result of a partial protection against malaria (Manjurano 2012 PMID: 23144702, Luzzatto 2016 PMID: 27040960). Computational prediction tools and conservation analysis are consistent with pathogenicity. Of note, this variant frequently co-occurs with the p.Asn156Asp in cis and is known as the G6PD A-allele, which is a class III variant with a moderate level of deficiency (10-60% activity). In summary, this variant meets criteria to be classified as pathogenic for X-linked G6PD deficiency. ACMG/AMP Criteria applied: PS4_VeryStrong, PS3_Moderate, PP3.

Johns Hopkins Genomics, Johns Hopkins University
Classification: Pathogenic for Anemia, nonspherocytic hemolytic, due to G6PD deficiency. Last evaluated: 2023-12-08. Review status: criteria provided, single submitter. Criteria: ACMG Guidelines, 2015. Collection method: clinical testing. Allele origin: germline.
Comment: While G6PD c.202G>A in isolation (called Asahi variant) has occasionally been identified in individuals with G6PD deficiency, it has more commonly been reported to co-occur on the same haplotype with another variant c.376A>G; p.Asn126Asp (complex variant c.376A>G/c.202G>A is called A- variant) and this complex variant has also been observed in individuals with G6PD deficiency. However, G6PD c.376A>G in isolation is considered a non-deficient variant that does not cause disease, and has instead been shown to act as a genetic modifier, increasing the risk of G6PD deficiency by two-fold in individuals heterozygous for c.202G>A3. Functional studies support that the A- variant results in clinically significant G6PD enzyme deficiency. c.202G>A (rs1050828) is present in a large population dataset (gnomAD v2.1.1: 2365/205030 total alleles; 1.2%; 641 hemizygotes and 90 homozygotes), and has been reported in ClinVar (Variation ID 37123). We consider c.202G>A in G6PD to be pathogenic.

Ambry Genetics
Classification: Pathogenic for Inborn genetic diseases. Last evaluated: 2023-11-20. Review status: criteria provided, single submitter. Criteria: Ambry Variant Classification Scheme 2023. Collection method: clinical testing. Allele origin: germline.
Comment: The c.[202G>A;376A>G] (p.[V68M;N126D]) complex allele affects exon 4 (coding exon 3) and exon 5 (coding exon 4) of the G6PD gene. This alteration results from a G to A substitution at nucleotide position 202, causing the valine (V) at amino acid position 68 to be replaced by a methionine (M), and from an A to G substitution at nucleotide position 376, causing the asparagine (N) at amino acid position 126 to be replaced by an aspartic acid (D). Based on data from the Genome Aggregation Database (gnomAD), the G6PD c.202G>A alteration was observed in 1.2% (2365/205030) total alleles studied, with a frequency of 11.6% (2208/18968) African alleles, including 89 homozygotes and 599 hemizygotes; the G6PD c.376A>G alteration was observed in 3.2% (6586/205081) total alleles studied, with a frequency of 31.8% (6025/18923) African alleles, including 714 homozygotes and 1605 hemizygotes. The G6PD c.[202G>A;376A>G] complex allele is also known as the &ldquo;A-" haplotype and it is the most common G6PD deficiency disease-causing allele in African populations. Of note, the c.376A>G (p.N126D) alteration is considered a benign variant when seen in isolation (Town, 1992; Shahjahani, 2013). A significant reduction in enzyme stability and activity has been observed when the c.202G>A (p.V68M) and c.376A>G (p.N126D) variants are present in cis (on the same chromosome) (Vulliamy, 1998; Town, 1992; G&oacute;mez-Gallego, 2000). Based on the available evidence, this alteration is classified as pathogenic.

Department of Pathology and Laboratory Medicine, Sinai Health System
Classification: Pathogenic for Anemia, nonspherocytic hemolytic, due to G6PD deficiency. Last evaluated: 2023-08-17. Review status: criteria provided, single submitter. Criteria: ACMG Guidelines, 2015. Collection method: research. Allele origin: germline.

CeGaT Center for Human Genetics Tuebingen
Classification: Pathogenic. Last evaluated: 2023-07-01. Review status: criteria provided, single submitter. Criteria: CeGaT Center For Human Genetics Tuebingen Variant Classification Criteria Version 2. Collection method: clinical testing. Allele origin: germline. Affected: yes. Observed: 7 variant alleles.
Comment: G6PD: PP1:Strong, PM1, PS4:Moderate, PP4, PS3:Supporting

Institute of Immunology and Genetics Kaiserslautern
Classification: Pathogenic for Anemia, nonspherocytic hemolytic, due to G6PD deficiency. Last evaluated: 2023-03-10. Review status: criteria provided, single submitter. Criteria: ACMG Guidelines, 2015. Collection method: clinical testing. Allele origin: maternal.
Comment: ACMG Criteria: PS3, PS4, PM2_P, PM5, PP3, PP4, PP5; Variant was found in hemizygous state.

Women's Health and Genetics/Laboratory Corporation of America, LabCorp
Classification: Pathogenic for G6PD deficiency. Last evaluated: 2023-02-13. Review status: criteria provided, single submitter. Criteria: LabCorp Variant Classification Summary - May 2015. Collection method: clinical testing. Allele origin: germline.
Comment: Variant summary: G6PD c.292G>A (p.Val98Met) results in a conservative amino acid change located in the NAD-binding domain (IPR022674) of the encoded protein sequence. Three of five in-silico tools predict a benign effect of the variant on protein function. The variant allele was found at a frequency of 0.0091 in 183313 control chromosomes, predominantly at a frequency of 0.12 within the African or African-American subpopulation in the gnomAD database, including 59 homozygotes. This frequency is not significantly higher than estimated for a pathogenic variant in G6PD causing Glucose 6 Phosphate Dehydrogenase Deficiency (0.0091 vs 0.29), and is consistent with the prevalence of G6PD deficiency in this region. Therefore, this allows no strong conclusion about variant significance. This variant is commonly observed as a complex variant (referred to as the A- haplotype) in cis with c.466A>G, p.Asn156Asp in individuals with Glucose 6 Phosphate Dehydrogenase Deficiency (e.g. Dallol_2012, Shah_2014). c.292G>A has also been reported as a single variant, independent from the A- haplotype, in the literature in the hemizygous, homozygous, and heterozygous state in multiple individuals affected with Glucose 6 Phosphate Dehydrogenase Deficiency, including at least two unrelated cases of an affected hemizygous male with an affected heterozygous mother (e.g. Hirono_2002, Dallol_2012, Warang_2017, Powers_2018, Chen_2018). These data indicate that the variant is very likely to be associated with disease. Publications have reported experimental evidence evaluating an impact on protein function (e.g. Town_1992, Shah_2014). The most pronounced variant effect results in an approximately 40% reduction in enzyme activity for heterozygotes, and 80% for hemizygotes and homozygotes. Furthermore, this variant has been given a WHO classification of Class III: mild to moderate enzyme deficiency (10-60% residual activity). Twenty-three submitters have provided clinical-significance assessments for this variant to ClinVar after 2014. The majority have classified the variant as pathogenic (n=19)/likely pathogenic (n=2), and two classified it as VUS. Based on the evidence outlined above, the variant was classified as pathogenic.

Laboratorio de Genetica e Diagnostico Molecular, Hospital Israelita Albert Einstein
Classification: Likely pathogenic for Anemia, nonspherocytic hemolytic, due to G6PD deficiency. Last evaluated: 2022-12-02. Review status: criteria provided, single submitter. Criteria: ACMG Guidelines, 2015. Collection method: clinical testing. Allele origin: germline. Affected: yes. Observed: 2 variant alleles.
Comment: ACMG classification criteria: PS3 supporting, PS4 strong, PP3 supporting